The following is an entry in ClinVar:

ClinVar aggregate classification (germline): Likely benign (1 of 4 stars; one submission).

gnomAD v4.1: 1 of 1,612,860 alleles (0.000062%); no homozygotes.

Submission:

GeneDx
Classification: Likely benign. Last evaluated: 2016-02-02. Review status: criteria provided, single submitter. Criteria: GeneDx Variant Classification (06012015). Collection method: clinical testing. Allele origin: germline. Affected: yes.
Comment: This variant is considered likely benign or benign based on one or more of the following criteria: it is a conservative change, it occurs at a poorly conserved position in the protein, it is predicted to be benign by multiple in silico algorithms, and/or has population frequency not consistent with disease.

NM_033118.4(MYLK2):c.879-7T>C

Gene: MYLK2 (myosin light chain kinase 2; plus strand). Cytogenetic location: 20q11.21.
Variant type: single nucleotide variant.
Coding change: c.879-7T>C on transcript NM_033118.4 (MANE Select); 7 bases into the intron before coding-DNA position 879, T replaced by C.
Molecular consequence: intron variant.
Genome position (GRCh38, 1-based): chr20:31,824,252, T>C. VCF-style: chr20-31824252-T-C. GRCh37 (hg19) VCF-style: chr20-30412055-T-C.
Identifiers: ClinVar variation 383398 (VCV000383398.1), dbSNP rs1057521613, ClinGen allele CA16608430.